The following is an entry in ClinVar:

ClinVar aggregate classification (germline): Uncertain significance (1 of 4 stars; one submission).

Submission:

ARUP Laboratories, Molecular Genetics and Genomics, ARUP Laboratories
Classification: Uncertain significance. Last evaluated: 2025-01-07. Review status: criteria provided, single submitter. Criteria: ARUP Molecular Germline Variant Investigation Process 2024. Collection method: clinical testing. Allele origin: germline.
Comment: The TTC37 c.2684T>C; p.Leu895Ser variant, to our knowledge, is not reported in the medical literature or gene specific databases. This variant is also absent from the Genome Aggregation Database (v2.1.1), indicating it is not a common polymorphism. Computational analyses are uncertain whether this variant is neutral or deleterious (REVEL: 0.192). Due to limited information, the clinical significance of this variant is uncertain at this time.

NM_014639.4(SKIC3):c.2684T>C (p.Leu895Ser)

Gene: SKIC3 (SKI3 subunit of superkiller complex; minus strand). Cytogenetic location: 5q15.
Variant type: single nucleotide variant.
Coding change: c.2684T>C on transcript NM_014639.4 (MANE Select); coding-DNA position 2684, T replaced by C.
Protein change: p.Leu895Ser; replaces leucine 895 with serine.
Molecular consequence: missense variant.
Genome position (GRCh38, 1-based): chr5:95,514,874, A>G on the plus strand (T>C on the coding strand, the complement: SKIC3 is on the minus strand). VCF-style: chr5-95514874-A-G. GRCh37 (hg19) VCF-style: chr5-94850578-A-G.
Other names: short protein forms L895S.
Identifiers: ClinVar variation 4685954 (VCV004685954.1).
Genomic context (GRCh38, chr5:95,514,874, plus strand): 5'-TATCAACAAGCTTATTAGTAACTATATGTTATATTTCTTACTTGTCCAATCCAGCACATT[A>G]AATAAGATGGATCAAGGGATTGAGCCATTTTGAAAGCCTCATGAGCTTGCTAGGAAAAAA-3'
Protein context (NP_055454.1, residues 885-905): KMAQSLDPSY[Leu895Ser]MCWIGQALIA